The following is an entry in ClinVar:

ClinVar aggregate classification (germline): Conflicting classifications of pathogenicity. Review status: criteria provided, conflicting classifications (1 of 4 stars). 3 submissions from 3 submitters: Uncertain significance (1); Likely benign (1). 1 of the submissions does not count toward it. Last evaluated 2025-09-05.

Conditions:
Inborn genetic diseases. Identifiers: MedGen C0950123, MeSH D030342.
DHX16-related disorder. Also called: DHX16-related condition.

Allele frequency attached by ClinVar (database versions not stated): gnomAD exomes 0.00015; ESP Exome Variant Server 0.00190; gnomAD 0.00208 and 0.00218; TOPMed 0.00237; 1000 Genomes Project 0.00359; 1000 Genomes Project 30x 0.00390.
gnomAD v4.1: 546 of 1,613,066 alleles (0.034%); highest among the groups gnomAD compares: African/African-American, 0.6%; 1 homozygote.

Submissions (3):

Ambry Genetics
Classification: Uncertain significance for Inborn genetic diseases. Last evaluated: 2025-09-05. Review status: criteria provided, single submitter. Criteria: Ambry Variant Classification Scheme 2023. Collection method: clinical testing. Allele origin: germline.

Labcorp Genetics (formerly Invitae), Labcorp
Classification: Likely benign. Last evaluated: 2018-05-18. Review status: criteria provided, single submitter. Criteria: Invitae Variant Classification Sherloc (09022015). Collection method: clinical testing. Allele origin: germline.

PreventionGenetics, part of Exact Sciences
Classification: Likely benign for DHX16-related condition. Last evaluated: 2019-12-16. Review status: no assertion criteria provided. Collection method: clinical testing. Allele origin: germline. Not counted in ClinVar's aggregate classification.
Comment: This variant is classified as likely benign based on ACMG/AMP sequence variant interpretation guidelines (Richards et al. 2015 PMID: 25741868, with internal and published modifications).

NM_003587.5(DHX16):c.365G>A (p.Arg122His)

Gene: DHX16 (DEAH-box helicase 16; minus strand). Cytogenetic location: 6p21.33.
Variant type: single nucleotide variant.
Coding change: c.365G>A on transcript NM_003587.5 (MANE Select); coding-DNA position 365, G replaced by A.
Protein change: p.Arg122His; replaces arginine 122 with histidine.
Molecular consequence: missense variant. On other transcripts: 5 prime UTR variant (1).
Genome position (GRCh38, 1-based): chr6:30,671,117, C>T on the plus strand (G>A on the coding strand, the complement: DHX16 is on the minus strand). VCF-style: chr6-30671117-C-T. GRCh37 (hg19) VCF-style: chr6-30638894-C-T.
Other names: c.185G>A, p.Arg62His (NM_001164239.2); c.-1755G>A (NM_001363515.2); short protein forms R62H, R122H.
Identifiers: ClinVar variation 723996 (VCV000723996.6), dbSNP rs140919186, ClinGen allele CA3701516.
Genomic context (GRCh38, chr6:30,671,117, plus strand): 5'-TCAGAAGCCTCTTCCTCCTCTTCTTCCTCACGCTTCTTCCTGAGGTGTTTCCGCTTTTTA[C>T]GTTTCTTCTGGAGGCTGCTTCCAGCCCTACTCACAGTCTCCTCACTGCTCTCTTCACTGT-3'
Protein context (NP_003578.2, residues 112-132): SRAGSSLQKK[Arg122His]KKRKHLRKKR